The following is an entry in ClinVar:

ClinVar aggregate classification (germline): Likely benign. Review status: criteria provided, multiple submitters, no conflicts (2 of 4 stars). 4 submissions from 4 submitters: Likely benign (4). Last evaluated 2025-12-14.

Conditions:
Dilated cardiomyopathy 1O (CMD1O). Also called: CARDIOMYOPATHY, DILATED, WITH VENTRICULAR TACHYCARDIA. Identifiers: Orphanet 154, MedGen C1837839, MONDO:0012062, OMIM 608569.
Cardiovascular phenotype. Identifiers: MedGen CN230736.

Allele frequency attached by ClinVar (database versions not stated): TOPMed below 0.00001; ExAC 0.00001; gnomAD exomes 0.00001.
gnomAD v4.1: 13 of 1,614,062 alleles (0.00081%); highest among the groups gnomAD compares: South Asian, 0.0033%; no homozygotes.

Submissions (4):

Labcorp Genetics (formerly Invitae), Labcorp
Classification: Likely benign for Dilated cardiomyopathy 1O. Last evaluated: 2025-12-14. Review status: criteria provided, single submitter. Criteria: Invitae Variant Classification Sherloc (09022015). Collection method: clinical testing. Allele origin: germline.

Ambry Genetics
Classification: Likely benign for Cardiovascular phenotype. Last evaluated: 2023-05-06. Review status: criteria provided, single submitter. Criteria: Ambry Variant Classification Scheme 2023. Collection method: clinical testing. Allele origin: germline.

Laboratory for Molecular Medicine, Mass General Brigham Personalized Medicine
Classification: Likely benign. Last evaluated: 2017-11-13. Review status: criteria provided, single submitter. Criteria: LMM Criteria. Collection method: clinical testing. Allele origin: germline. Observed: 1 variant allele.
Comment: p.Ala108Ala in exon 3 of ABCC9: This variant is not expected to have clinical si gnificance because it does not alter an amino acid residue and is not located wi thin the splice consensus sequence. It has been identified 1/30782 South Asian c hromosomes by the Genome Aggregation Database (gnomAD; dbSNP rs770552940). ACMG/AMP Criteria applied: BP4; BP7.

GeneDx
Classification: Likely benign. Last evaluated: 2016-02-11. Review status: criteria provided, single submitter. Criteria: GeneDx Variant Classification (06012015). Collection method: clinical testing. Allele origin: germline. Affected: yes.
Comment: This variant is considered likely benign or benign based on one or more of the following criteria: it is a conservative change, it occurs at a poorly conserved position in the protein, it is predicted to be benign by multiple in silico algorithms, and/or has population frequency not consistent with disease.

NM_020297.4(ABCC9):c.324C>T (p.Ala108=)

Gene: ABCC9 (ATP binding cassette subfamily C member 9; minus strand). Cytogenetic location: 12p12.1.
Variant type: single nucleotide variant.
Coding change: c.324C>T on transcript NM_020297.4 (MANE Select); coding-DNA position 324, C replaced by T.
Protein change: p.Ala108=; no amino-acid change (alanine 108 retained).
Molecular consequence: synonymous variant. On other transcripts: 5 prime UTR variant (1).
Genome position (GRCh38, 1-based): chr12:21,926,024, G>A on the plus strand (C>T on the coding strand, the complement: ABCC9 is on the minus strand). VCF-style: chr12-21926024-G-A. GRCh37 (hg19) VCF-style: chr12-22078958-G-A.
Other names: c.324C>T, p.Ala108= (NM_001377273.1, NM_005691.4); c.-131C>T (NM_001377274.1).
Identifiers: ClinVar variation 383853 (VCV000383853.17), dbSNP rs770552940, ClinGen allele CA6481902.